The following is an entry in ClinVar:

ClinVar aggregate classification (germline): Benign/Likely benign. Review status: criteria provided, multiple submitters, no conflicts (2 of 4 stars). 8 submissions from 8 submitters: Benign (3); Likely benign (2). 3 of the submissions do not count toward it. Last evaluated 2026-01-12.

Conditions:
NOTCH2-related disorder. Also called: NOTCH2-related condition.
Alagille syndrome due to a NOTCH2 point mutation. Also called: Alagille syndrome 2. Identifiers: Orphanet 261629, Orphanet 52, MedGen C1857761, MONDO:0012439, OMIM 610205.
Hajdu-Cheney syndrome (HJCYS). Also called: Acroosteolysis dominant type; ACROOSTEOLYSIS WITH OSTEOPOROSIS AND CHANGES IN SKULL AND MANDIBLE; SERPENTINE FIBULA-POLYCYSTIC KIDNEY SYNDROME. Identifiers: Orphanet 955, MedGen C0917715, MONDO:0007057, OMIM 102500.

Allele frequency attached by ClinVar (database versions not stated): gnomAD 0.00027 and 0.00001; 1000 Genomes Project 30x 0.00281; 1000 Genomes Project 0.00319; TOPMed 0.00002.
gnomAD v4.1: 567 of 1,531,570 alleles (0.037%); highest among the groups gnomAD compares: South Asian, 0.6%; 19 homozygotes.

Submissions (8):

Labcorp Genetics (formerly Invitae), Labcorp
Classification: Benign for Hajdu-Cheney syndrome. Last evaluated: 2026-01-12. Review status: criteria provided, single submitter. Criteria: Invitae Variant Classification Sherloc (09022015). Collection method: clinical testing. Allele origin: germline.

Blueprint Genetics
Classification: Likely benign. Last evaluated: 2024-10-25. Review status: criteria provided, single submitter. Criteria: ACMG Guidelines, 2015. Collection method: clinical testing. Allele origin: germline.

Fulgent Genetics
Classification: Likely benign for Hajdu-Cheney syndrome; Alagille syndrome due to a NOTCH2 point mutation. Last evaluated: 2022-05-04. Review status: criteria provided, single submitter. Criteria: ACMG Guidelines, 2015. Collection method: clinical testing. Allele origin: unknown.

GeneDx
Classification: Benign. Last evaluated: 2020-05-18. Review status: criteria provided, single submitter. Criteria: GeneDx Variant Classification Process June 2021. Collection method: clinical testing. Allele origin: germline. Affected: yes.

Eurofins Ntd Llc (ga)
Classification: Benign. Last evaluated: 2016-09-27. Review status: criteria provided, single submitter. Criteria: EGL Classification Definitions 2015. Collection method: clinical testing. Allele origin: germline. Observed: 2 variant alleles, 2 heterozygotes.

PreventionGenetics, part of Exact Sciences
Classification: Benign for NOTCH2-related condition. Last evaluated: 2024-08-12. Review status: no assertion criteria provided. Collection method: clinical testing. Allele origin: germline. Not counted in ClinVar's aggregate classification.
Comment: This variant is classified as benign based on ACMG/AMP sequence variant interpretation guidelines (Richards et al. 2015 PMID: 25741868, with internal and published modifications).

Clinical Genetics DNA and cytogenetics Diagnostics Lab, Erasmus MC, Erasmus Medical Center
Classification: Likely benign. Review status: no assertion criteria provided. Collection method: clinical testing. Allele origin: germline. Affected: yes. Study: VKGL Data-share Consensus. Not counted in ClinVar's aggregate classification.

Laboratory of Diagnostic Genome Analysis, Leiden University Medical Center (LUMC)
Classification: Likely benign. Review status: no assertion criteria provided. Collection method: clinical testing. Allele origin: germline. Affected: yes. Study: VKGL Data-share Consensus. Not counted in ClinVar's aggregate classification.

NM_024408.4(NOTCH2):c.2026+6G>T

Gene: NOTCH2 (notch receptor 2; minus strand). Cytogenetic location: 1p12.
Variant type: single nucleotide variant.
Coding change: c.2026+6G>T on transcript NM_024408.4 (MANE Select); 6 bases into the intron after coding-DNA position 2026, G replaced by T.
Molecular consequence: intron variant.
Genome position (GRCh38, 1-based): chr1:119,959,386, C>A on the plus strand (G>T on the coding strand, the complement: NOTCH2 is on the minus strand). VCF-style: chr1-119959386-C-A. GRCh37 (hg19) VCF-style: chr1-120502009-C-A.
Other names: c.2026+6G>T (NM_001200001.2).
Identifiers: ClinVar variation 497630 (VCV000497630.20), dbSNP rs587731563, ClinGen allele CA1040411.